The following is an entry in ClinVar:

ClinVar aggregate classification (germline): Uncertain significance (1 of 4 stars; one submission).

Allele frequency attached by ClinVar (database versions not stated): gnomAD exomes 0.00001; TOPMed 0.00002; ExAC 0.00003; gnomAD 0.00005.
gnomAD v4.1: 22 of 1,614,194 alleles (0.0014%); highest among the groups gnomAD compares: African/African-American, 0.016%; no homozygotes.

Submission:

Labcorp Genetics (formerly Invitae), Labcorp
Classification: Uncertain significance. Last evaluated: 2024-12-31. Review status: criteria provided, single submitter. Criteria: Invitae Variant Classification Sherloc (09022015). Collection method: clinical testing. Allele origin: germline.
Comment: This sequence change replaces valine, which is neutral and non-polar, with alanine, which is neutral and non-polar, at codon 112 of the EYS protein (p.Val112Ala). This variant is present in population databases (rs562862906, gnomAD 0.02%). This missense change has been observed in individual(s) with retinitis pigmentosa (internal data). ClinVar contains an entry for this variant (Variation ID: 2084089). Invitae Evidence Modeling of protein sequence and biophysical properties (such as structural, functional, and spatial information, amino acid conservation, physicochemical variation, residue mobility, and thermodynamic stability) indicates that this missense variant is not expected to disrupt EYS protein function with a negative predictive value of 80%. In summary, the available evidence is currently insufficient to determine the role of this variant in disease. Therefore, it has been classified as a Variant of Uncertain Significance.

NM_001142800.2(EYS):c.335T>C (p.Val112Ala)

Gene: EYS (EGF-like photoreceptor maintenance factor; minus strand). Cytogenetic location: 6q12.
Variant type: single nucleotide variant.
Coding change: c.335T>C on transcript NM_001142800.2 (MANE Select); coding-DNA position 335, T replaced by C.
Protein change: p.Val112Ala; replaces valine 112 with alanine.
Molecular consequence: missense variant.
Genome position (GRCh38, 1-based): chr6:65,495,076, A>G on the plus strand (T>C on the coding strand, the complement: EYS is on the minus strand). VCF-style: chr6-65495076-A-G. GRCh37 (hg19) VCF-style: chr6-66204969-A-G.
Other names: c.335T>C, p.Val112Ala (NM_001142801.2, NM_001292009.2, NM_198283.2); short protein forms V112A.
Identifiers: ClinVar variation 2084089 (VCV002084089.3), dbSNP rs562862906, ClinGen allele CA3878093.